The following is an entry in ClinVar:

NM_198334.3(GANAB):c.226G>T (p.Val76Phe)

Gene: GANAB (glucosidase II alpha subunit; minus strand). Cytogenetic location: 11q12.3.
Variant type: single nucleotide variant.
Coding change: c.226G>T on transcript NM_198334.3 (MANE Select); coding-DNA position 226, G replaced by T.
Protein change: p.Val76Phe; replaces valine 76 with phenylalanine.
Molecular consequence: missense variant. On other transcripts: 5 prime UTR variant (4), intron variant (3).
Genome position (GRCh38, 1-based): chr11:62,639,385, C>A on the plus strand (G>T on the coding strand, the complement: GANAB is on the minus strand). VCF-style: chr11-62639385-C-A. GRCh37 (hg19) VCF-style: chr11-62406857-C-A.
Other names: c.-66G>T (NM_001329222.2, NM_001329223.2); c.-551G>T (NM_001329224.2, NM_001329225.2); c.226G>T, p.Val76Phe (NM_198335.4); c.39-4385G>T (NM_001278193.2, NM_001278192.2); c.-40+242G>T (NM_001278194.2); short protein forms V76F.
Identifiers: ClinVar variation 1909662 (VCV001909662.5), dbSNP rs1384463982, ClinGen allele CA380996431.

ClinVar aggregate classification (germline): Uncertain significance (1 of 4 stars; one submission).

Allele frequency attached by ClinVar (database versions not stated): gnomAD exomes below 0.00001; gnomAD 0.00001.
gnomAD v4.1: 2 of 1,611,632 alleles (0.00012%); highest among the groups gnomAD compares: Admixed American, 0.0033%; no homozygotes.

Submission:

Labcorp Genetics (formerly Invitae), Labcorp
Classification: Uncertain significance. Last evaluated: 2022-04-20. Review status: criteria provided, single submitter. Criteria: Invitae Variant Classification Sherloc (09022015). Collection method: clinical testing. Allele origin: germline.
Comment: In summary, the available evidence is currently insufficient to determine the role of this variant in disease. Therefore, it has been classified as a Variant of Uncertain Significance. Advanced modeling of protein sequence and biophysical properties (such as structural, functional, and spatial information, amino acid conservation, physicochemical variation, residue mobility, and thermodynamic stability) performed at Invitae indicates that this missense variant is not expected to disrupt GANAB protein function. This variant has not been reported in the literature in individuals affected with GANAB-related conditions. This variant is not present in population databases (gnomAD no frequency). This sequence change replaces valine, which is neutral and non-polar, with phenylalanine, which is neutral and non-polar, at codon 76 of the GANAB protein (p.Val76Phe).